The following is an entry in ClinVar:

ClinVar aggregate classification (germline): Uncertain significance (1 of 4 stars; one submission).

Conditions:
Fanconi anemia complementation group O. Also called: RAD51C-Related Fanconi Anemia. Identifiers: Orphanet 84, MedGen C3150653, MONDO:0013248, OMIM 613390.

Allele frequency attached by ClinVar (database versions not stated): gnomAD exomes below 0.00001.
gnomAD v4.1: 1 of 1,612,672 alleles (0.000062%); highest among the groups gnomAD compares: South Asian, 0.0011%; no homozygotes.

Submission:

Labcorp Genetics (formerly Invitae), Labcorp
Classification: Uncertain significance for Fanconi anemia complementation group O. Last evaluated: 2025-10-14. Review status: criteria provided, single submitter. Criteria: Invitae Variant Classification Sherloc (09022015). Collection method: clinical testing. Allele origin: germline.
Comment: This sequence change replaces glutamine, which is neutral and polar, with histidine, which is basic and polar, at codon 344 of the RAD51C protein (p.Gln344His). This variant is not present in population databases (gnomAD no frequency). This variant has not been reported in the literature in individuals affected with RAD51C-related conditions. ClinVar contains an entry for this variant (Variation ID: 1013134). An algorithm developed to predict the effect of missense changes on protein structure and function (PolyPhen-2) suggests that this variant is likely to be tolerated. In summary, the available evidence is currently insufficient to determine the role of this variant in disease. Therefore, it has been classified as a Variant of Uncertain Significance.

NM_058216.3(RAD51C):c.1032G>C (p.Gln344His)

Gene: RAD51C (RAD51 paralog C; plus strand). Cytogenetic location: 17q22.
Variant type: single nucleotide variant.
Coding change: c.1032G>C on transcript NM_058216.3 (MANE Select); coding-DNA position 1032, G replaced by C.
Protein change: p.Gln344His; replaces glutamine 344 with histidine.
Molecular consequence: missense variant. On other transcripts: non-coding transcript variant (1).
Genome position (GRCh38, 1-based): chr17:58,734,123, G>C. VCF-style: chr17-58734123-G-C. GRCh37 (hg19) VCF-style: chr17-56811484-G-C.
Other names: short protein forms Q344H.
Identifiers: ClinVar variation 1013134 (VCV001013134.15), dbSNP rs876658609, ClinGen allele CA400365860.